The following is an entry in ClinVar:

ClinVar aggregate classification (germline): Uncertain significance (1 of 4 stars; one submission).

Conditions:
Myopathy, proximal, and ophthalmoplegia (CMYO6). Also called: INCLUSION BODY MYOPATHY 3, AUTOSOMAL DOMINANT; CONGENITAL MYOPATHY 6 WITH OPHTHALMOPLEGIA; MYOPATHY WITH CONGENITAL JOINT CONTRACTURES, OPHTHALMOPLEGIA, AND RIMMED VACUOLES. Identifiers: Orphanet 363677, Orphanet 79091, MedGen C1854106, MONDO:0011577, OMIM 605637.

Submission:

Labcorp Genetics (formerly Invitae), Labcorp
Classification: Uncertain significance for Myopathy, proximal, and ophthalmoplegia. Last evaluated: 2026-01-12. Review status: criteria provided, single submitter. Criteria: Invitae Variant Classification Sherloc (09022015). Collection method: clinical testing. Allele origin: germline.
Comment: This sequence change replaces isoleucine, which is neutral and non-polar, with asparagine, which is neutral and polar, at codon 115 of the MYH2 protein (p.Ile115Asn). This variant is not present in population databases (gnomAD no frequency). This variant has not been reported in the literature in individuals affected with MYH2-related conditions. Invitae Evidence Modeling of protein sequence and biophysical properties (such as structural, functional, and spatial information, amino acid conservation, physicochemical variation, residue mobility, and thermodynamic stability) indicates that this missense variant is expected to disrupt MYH2 protein function with a positive predictive value of 80%. In summary, the available evidence is currently insufficient to determine the role of this variant in disease. Therefore, it has been classified as a Variant of Uncertain Significance.

NM_017534.6(MYH2):c.344T>A (p.Ile115Asn)

Genes: MYH2 (myosin heavy chain 2; minus strand), MYHAS (myosin heavy chain gene cluster antisense RNA; plus strand). Cytogenetic location: 17p13.1.
Variant type: single nucleotide variant.
Coding change: c.344T>A on transcript NM_017534.6 (MANE Select); coding-DNA position 344, T replaced by A.
Protein change: p.Ile115Asn; replaces isoleucine 115 with asparagine.
Molecular consequence: missense variant.
Genome position (GRCh38, 1-based): chr17:10,547,479, A>T on the plus strand (T>A on the coding strand, the complement: MYH2 is on the minus strand). VCF-style: chr17-10547479-A-T. GRCh37 (hg19) VCF-style: chr17-10450796-A-T.
Other names: c.344T>A, p.Ile115Asn (NM_001100112.2); short protein forms I115N.
Identifiers: ClinVar variation 4745212 (VCV004745212.1).
Genomic context (GRCh38, chr17:10,547,479, plus strand): 5'-CAGGATGGTAGGGTACATGAGGATGATTATACAGAGCACTGGCAGGGGACACTCACGTAG[A>T]TCATCCAGGCTGCATAACGTTCTTTGAGGTTGTACAGCACAGCAGGCTCATGCAGATGAG-3'
Protein context (NP_060004.3, residues 105-125): NLKERYAAWM[Ile115Asn]YTYSGLFCVT